The following is an entry in ClinVar:

NM_022436.3(ABCG5):c.1886C>A (p.Ser629Ter)

Genes: ABCG5 (ATP binding cassette subfamily G member 5; minus strand), DYNC2LI1 (dynein cytoplasmic 2 light intermediate chain 1; plus strand). Cytogenetic location: 2p21.
Variant type: single nucleotide variant.
Coding change: c.1886C>A on transcript NM_022436.3 (MANE Select); coding-DNA position 1886, C replaced by A.
Protein change: p.Ser629Ter; replaces serine 629 with a stop codon.
Molecular consequence: nonsense. On other transcripts: intron variant (2).
Genome position (GRCh38, 1-based): chr2:43,813,186, G>T on the plus strand (C>A on the coding strand, the complement: ABCG5 is on the minus strand). VCF-style: chr2-43813186-G-T. GRCh37 (hg19) VCF-style: chr2-44040325-G-T.
Other names: p.Ser629Ter; c.*15+2662G>T (NM_001348913.2, NM_001348912.2); short protein forms S629*.
Identifiers: ClinVar variation 4880472 (VCV004880472.1).

ClinVar aggregate classification (germline): Pathogenic (1 of 4 stars; one submission).

Conditions:
Sitosterolemia 1. Identifiers: MedGen C2749759, MONDO:0020747, OMIM 210250.

Submission:

Department of Endocrinology and Metabolism, The Second Xiangya Hospital, Central South University
Classification: Pathogenic for Sitosterolemia 1. Last evaluated: 2026-06-30. Review status: criteria provided, single submitter. Criteria: ACMG Guidelines, 2015. Collection method: research. Allele origin: germline. Inheritance: Autosomal recessive inheritance. Affected: yes. Observed: 2 variant alleles, 2 heterozygotes. Clinical features observed: Increased serum serotonin (HP:0003144), Elevated plasma phytosterol levels.
Comment: This variant introduces a premature stop codon at p.Ser629* in ABCG5 and is expected to result in loss of function through nonsense-mediated mRNA decay or production of a truncated protein. Loss-of-function variants in ABCG5 are an established mechanism causing sitosterolemia. Based on the ACMG/AMP criteria, this variant is classified as pathogenic (PVS1, PM2, PP4).

Literature cited by the submitters: PubMed 32166861.